The following is an entry in ClinVar:

GRCh38/hg38 15q13.2-13.3(chr15:30361674-32569425)x3

Genes: ARHGAP11B (Rho GTPase activating protein 11B), ARHGAP11B-DT (ARHGAP11B divergent transcript), CHRFAM7A (CHRNA7 (exons 5-10) and FAM7A (exons A-E) fusion; minus strand), CHRNA7 (cholinergic receptor nicotinic alpha 7 subunit), FAN1 (FANCD2 and FANCI associated nuclease 1; plus strand) and 36 more. Cytogenetic location: 15q13.2-13.3.
Variant type: copy number gain.
Change: copy number 3 (three copies instead of two) of chr15:30,361,674-32,569,425 (2.21 Mb, GRCh38 coordinates, 1-based), cytogenetic band 15q13.2-13.3.
Identifiers: ClinVar variation 154602 (VCV000154602.3).

ClinVar aggregate classification (germline): conflicting data from submitters (0 of 4 stars; one submission).

Submission:

ISCA site 1
Classification: conflicting data from submitters. Last evaluated: 2013-09-27. Review status: no assertion criteria provided. Collection method: clinical testing. Allele origin: maternal, unknown, paternal. Affected: yes. Observed: 7 variant alleles. Clinical features observed: Global developmental delay (HP:0001263), Developmental delay AND/OR other significant developmental or morphological phenotypes, Ambiguous genitalia (HP:0000062), Autistic behavior (HP:0000729), Speech apraxia (HP:0011098), Delayed speech and language development (HP:0000750), Delayed gross motor development (HP:0002194), Behavioral abnormality (HP:0000708), Microcephaly (HP:0000252), Muscular hypotonia (HP:0001252).
Comment: Pathogenic(1), Uncertain significance(6)

Copy number variation identified through the course of routine clinical cytogenomic testing in postnatal populations, with clinical assertions as classified by the original submitter. For data from the original published study, Kaminsky, et al. 2011 (PubMed 21844811), please see nstd101.